The following is an entry in ClinVar:

NM_025103.4(IFT74):c.1623+7A>C

Gene: IFT74 (intraflagellar transport 74; plus strand). Cytogenetic location: 9p21.2.
Variant type: single nucleotide variant.
Coding change: c.1623+7A>C on transcript NM_025103.4 (MANE Select); 7 bases into the intron after coding-DNA position 1623, A replaced by C.
Molecular consequence: intron variant.
Genome position (GRCh38, 1-based): chr9:27,056,466, A>C. VCF-style: chr9-27056466-A-C. GRCh37 (hg19) VCF-style: chr9-27056464-A-C.
Other names: c.1623+7A>C (NM_001099223.3, NM_001099222.3, NM_001349928.2 and 1 more transcripts).
Identifiers: ClinVar variation 722655 (VCV000722655.42), dbSNP rs191860894, ClinGen allele CA5015714.
Genomic context (GRCh38, chr9:27,056,466, plus strand): 5'-ATAGAGTATGAGGCACTAAAAACACAATTGCAAGAAAATGAGACACATTCTCAGGTAAAA[A>C]ATGTTTTAAATGACTTTGAAATTGTCTTAGTCTATATTTTCACCCCAAAACAATCAATTT-3'

ClinVar aggregate classification (germline): Conflicting classifications of pathogenicity. Review status: criteria provided, conflicting classifications (1 of 4 stars). 4 submissions from 4 submitters: Uncertain significance (1); Likely benign (2). 1 of the submissions does not count toward it. Last evaluated 2026-02-01.

Conditions:
IFT74-related disorder. Also called: IFT74-Related Disorders; IFT74-related condition.

Allele frequency attached by ClinVar (database versions not stated): 1000 Genomes Project 0.00020; 1000 Genomes Project 30x 0.00031; ExAC 0.00049; gnomAD 0.00066 and 0.00070; ESP Exome Variant Server 0.00068; TOPMed 0.00091.
gnomAD v4.1: 1,612 of 1,583,120 alleles (0.1%); highest among the groups gnomAD compares: Non-Finnish European, 0.12%; no homozygotes.

Submissions (4):

Labcorp Genetics (formerly Invitae), Labcorp
Classification: Likely benign. Last evaluated: 2026-02-01. Review status: criteria provided, single submitter. Criteria: Invitae Variant Classification Sherloc (09022015). Collection method: clinical testing. Allele origin: germline.

CeGaT Center for Human Genetics Tuebingen
Classification: Likely benign. Last evaluated: 2024-02-01. Review status: criteria provided, single submitter. Criteria: CeGaT Center For Human Genetics Tuebingen Variant Classification Criteria Version 2. Collection method: clinical testing. Allele origin: germline. Affected: yes. Observed: 2 variant alleles.
Comment: IFT74: BP4

Genetic Services Laboratory, University of Chicago
Classification: Uncertain significance. Last evaluated: 2018-03-22. Review status: criteria provided, single submitter. Criteria: ACMG Guidelines, 2015. Collection method: clinical testing. Allele origin: germline. Affected: no.

PreventionGenetics, part of Exact Sciences
Classification: Likely benign for IFT74-related condition. Last evaluated: 2019-08-30. Review status: no assertion criteria provided. Collection method: clinical testing. Allele origin: germline. Not counted in ClinVar's aggregate classification.
Comment: This variant is classified as likely benign based on ACMG/AMP sequence variant interpretation guidelines (Richards et al. 2015 PMID: 25741868, with internal and published modifications).